The following is an entry in ClinVar:

NM_000168.6(GLI3):c.3946G>C (p.Asp1316His)

Gene: GLI3 (GLI family zinc finger 3; minus strand). Cytogenetic location: 7p14.1.
Variant type: single nucleotide variant.
Coding change: c.3946G>C on transcript NM_000168.6 (MANE Select); coding-DNA position 3946, G replaced by C.
Protein change: p.Asp1316His; replaces aspartic acid 1316 with histidine.
Molecular consequence: missense variant.
Genome position (GRCh38, 1-based): chr7:41,965,127, C>G on the plus strand (G>C on the coding strand, the complement: GLI3 is on the minus strand). VCF-style: chr7-41965127-C-G. GRCh37 (hg19) VCF-style: chr7-42004725-C-G.
Other names: short protein forms D1316H.
Identifiers: ClinVar variation 1714983 (VCV001714983.5), dbSNP rs766899370, ClinGen allele CA367316096.

ClinVar aggregate classification (germline): Uncertain significance (1 of 4 stars; one submission).

Conditions:
Greig cephalopolysyndactyly syndrome (GCPS). Also called: POLYSYNDACTYLY WITH PECULIAR SKULL SHAPE; Greig syndrome; GLI3-Related Greig Cephalopolysyndactyly Syndrome. Identifiers: Orphanet 380, MedGen C0265306, MONDO:0008287, OMIM 175700.
Pallister-Hall syndrome (PHS). Also called: HYPOTHALAMIC HAMARTOBLASTOMA, HYPOPITUITARISM, IMPERFORATE ANUS, AND POSTAXIAL POLYDACTYLY; GLI3-Related Pallister-Hall Syndrome. Identifiers: Orphanet 672, MedGen C0265220, MONDO:0007804, OMIM 146510.

gnomAD v4.1: 1 of 1,613,866 alleles (0.000062%); highest among the groups gnomAD compares: South Asian, 0.0011%; no homozygotes.

Submission:

Labcorp Genetics (formerly Invitae), Labcorp
Classification: Uncertain significance for Pallister-Hall syndrome; Greig cephalopolysyndactyly syndrome. Last evaluated: 2022-08-03. Review status: criteria provided, single submitter. Criteria: Invitae Variant Classification Sherloc (09022015). Collection method: clinical testing. Allele origin: germline.
Comment: This variant is not present in population databases (gnomAD no frequency). This sequence change replaces aspartic acid, which is acidic and polar, with histidine, which is basic and polar, at codon 1316 of the GLI3 protein (p.Asp1316His). This variant has not been reported in the literature in individuals affected with GLI3-related conditions. Algorithms developed to predict the effect of missense changes on protein structure and function are either unavailable or do not agree on the potential impact of this missense change (SIFT: "Deleterious"; PolyPhen-2: "Benign"; Align-GVGD: "Class C0"). In summary, the available evidence is currently insufficient to determine the role of this variant in disease. Therefore, it has been classified as a Variant of Uncertain Significance.